The following is an entry in ClinVar:

NM_003190.5(TAPBP):c.494C>A (p.Thr165Asn)

Gene: TAPBP (TAP binding protein; minus strand). Cytogenetic location: 6p21.32.
Variant type: single nucleotide variant.
Coding change: c.494C>A on transcript NM_003190.5 (MANE Select); coding-DNA position 494, C replaced by A.
Protein change: p.Thr165Asn; replaces threonine 165 with asparagine.
Molecular consequence: missense variant.
Genome position (GRCh38, 1-based): chr6:33,305,363, G>T on the plus strand (C>A on the coding strand, the complement: TAPBP is on the minus strand). VCF-style: chr6-33305363-G-T. GRCh37 (hg19) VCF-style: chr6-33273140-G-T.
Other names: c.494C>A, p.Thr165Asn (NM_001410875.1, NM_172208.3); c.233C>A, p.Thr78Asn (NM_172209.3); short protein forms T78N, T165N.
Identifiers: ClinVar variation 3804186 (VCV003804186.2).
Genomic context (GRCh38, chr6:33,305,363, plus strand): 5'-ATGTAGGCAAAGCTCAAGTCCAGCAGAGCATCTTGTCCCAGTCTCACTCGAGGGGCAGGG[G>T]TGTGGGTGAGGACAGTCAGTACCACTGAGGAAGACAGGGAGATGAGGGGTTGGGAGGGGC-3'
Protein context (NP_003181.3, residues 155-175): ATVVLTVLTH[Thr165Asn]PAPRVRLGQD

ClinVar aggregate classification (germline): Uncertain significance. Review status: criteria provided, multiple submitters, no conflicts (2 of 4 stars). 2 submissions from 2 submitters: Uncertain significance (2). Last evaluated 2025-08-20.

Conditions:
MHC class I deficiency. Identifiers: Orphanet 34592, MedGen C6024714, MONDO:0011476.

gnomAD v4.1: 2 of 1,533,126 alleles (0.00013%); highest among the groups gnomAD compares: African/African-American, 0.0014%; no homozygotes.

Submissions (2):

Labcorp Genetics (formerly Invitae), Labcorp
Classification: Uncertain significance for MHC class I deficiency 1. Last evaluated: 2025-08-20. Review status: criteria provided, single submitter. Criteria: Invitae Variant Classification Sherloc (09022015). Collection method: clinical testing. Allele origin: germline.
Comment: This sequence change replaces threonine, which is neutral and polar, with asparagine, which is neutral and polar, at codon 165 of the TAPBP protein (p.Thr165Asn). This variant is not present in population databases (gnomAD no frequency). This variant has not been reported in the literature in individuals affected with TAPBP-related conditions. ClinVar contains an entry for this variant (Variation ID: 3804186). An algorithm developed to predict the effect of missense changes on protein structure and function outputs the following: PolyPhen-2: "Benign". The asparagine amino acid residue is found in multiple mammalian species, which suggests that this missense change does not adversely affect protein function. In summary, the available evidence is currently insufficient to determine the role of this variant in disease. Therefore, it has been classified as a Variant of Uncertain Significance.

Ambry Genetics
Classification: Uncertain significance. Last evaluated: 2025-02-26. Review status: criteria provided, single submitter. Criteria: Ambry Variant Classification Scheme 2023. Collection method: clinical testing. Allele origin: germline.